The following is an entry in ClinVar:

ClinVar aggregate classification (germline): Uncertain significance (1 of 4 stars; one submission).

Conditions:
PHIP-related disorder. Also called: PHIP-related condition; PHIP-related disorders.

gnomAD v4.1: 9 of 1,592,490 alleles (0.00057%); highest among the groups gnomAD compares: Non-Finnish European, 0.00077%; no homozygotes.

Submission:

PreventionGenetics, part of Exact Sciences
Classification: Uncertain significance for PHIP-related condition. Last evaluated: 2025-10-07. Review status: criteria provided, single submitter. Criteria: ACMG Guidelines, 2015. Collection method: clinical testing. Allele origin: germline.
Comment: The PHIP c.1235G>T variant is predicted to result in the amino acid substitution p.Gly412Val. To our knowledge, this variant has not been reported in the literature. This variant is reported in 0.00089% of alleles in individuals of European (Non-Finnish) descent in gnomAD. At this time, the clinical significance of this variant is uncertain due to the absence of conclusive functional and genetic evidence.

NM_017934.7(PHIP):c.1235G>T (p.Gly412Val)

Gene: PHIP (PHIP subunit of CUL4-Ring ligase complex; minus strand). Cytogenetic location: 6q14.1.
Variant type: single nucleotide variant.
Coding change: c.1235G>T on transcript NM_017934.7 (MANE Select); coding-DNA position 1235, G replaced by T.
Protein change: p.Gly412Val; replaces glycine 412 with valine.
Molecular consequence: missense variant.
Genome position (GRCh38, 1-based): chr6:79,016,544, C>A on the plus strand (G>T on the coding strand, the complement: PHIP is on the minus strand). VCF-style: chr6-79016544-C-A. GRCh37 (hg19) VCF-style: chr6-79726261-C-A.
Other names: short protein forms G412V.
Identifiers: ClinVar variation 4983123 (VCV004983123.1).